The following is an entry in ClinVar:

NM_004586.3(RPS6KA3):c.298A>T (p.Lys100Ter)

Gene: RPS6KA3 (ribosomal protein S6 kinase A3; minus strand). Cytogenetic location: Xp22.12.
Variant type: single nucleotide variant.
Coding change: c.298A>T on transcript NM_004586.3 (MANE Select); coding-DNA position 298, A replaced by T.
Protein change: p.Lys100Ter; replaces lysine 100 with a stop codon.
Molecular consequence: nonsense.
Genome position (GRCh38, 1-based): chrX:20,204,049, T>A on the plus strand (A>T on the coding strand, the complement: RPS6KA3 is on the minus strand). VCF-style: chrX-20204049-T-A. GRCh37 (hg19) VCF-style: chrX-20222167-T-A.
Other names: short protein forms K100*.
Identifiers: ClinVar variation 1098388 (VCV001098388.2), dbSNP rs2148721855, ClinGen allele CA412511507.
Genomic context (GRCh38, chrX:20,204,049, plus strand): 5'-TACATGAACATTACAAATAGCAGCAACACTTACCTTTCAGTGTGGCCTTCTTCAATACCT[T>A]CATGGCATAAAGCTGCCTAGCATCAGAGCCTGAGATTTTTTTAACTAAGAAAACCTGCAT-3'

ClinVar aggregate classification (germline): Likely pathogenic (1 of 4 stars; one submission).

Submission:

Genetics Laboratory, UDIAT-Centre Diagnòstic, Hospital Universitari Parc Tauli
Classification: Likely pathogenic. Last evaluated: 2021-04-26. Review status: criteria provided, single submitter. Criteria: Parc Tauli Hospital Assertion Criteria 2021. Collection method: clinical testing. Allele origin: unknown. Inheritance: X-linked inheritance. Affected: yes. Observed: 1 hemizygote.
Comment: PVS1_very strong;PM2_supporting